The following is an entry in ClinVar:

ClinVar aggregate classification (germline): Uncertain significance (1 of 4 stars; one submission).

gnomAD v4.1: 2 of 1,613,638 alleles (0.00012%); highest among the groups gnomAD compares: Non-Finnish European, 0.00017%; no homozygotes.

Submission:

Labcorp Genetics (formerly Invitae), Labcorp
Classification: Uncertain significance. Last evaluated: 2025-10-21. Review status: criteria provided, single submitter. Criteria: Invitae Variant Classification Sherloc (09022015). Collection method: clinical testing. Allele origin: germline.
Comment: This sequence change replaces glutamic acid, which is acidic and polar, with valine, which is neutral and non-polar, at codon 177 of the JAK2 protein (p.Glu177Val). This variant is present in population databases (no rsID available, gnomAD 0.0009%). This missense change has been observed in individual(s) with idiopathic erythrocytosis (PMID: 27651169). Invitae Evidence Modeling of protein sequence and biophysical properties (such as structural, functional, and spatial information, amino acid conservation, physicochemical variation, residue mobility, and thermodynamic stability) indicates that this missense variant is expected to disrupt JAK2 protein function with a positive predictive value of 80%. In summary, the available evidence is currently insufficient to determine the role of this variant in disease. Therefore, it has been classified as a Variant of Uncertain Significance.

Literature cited by the submitters: PubMed 27651169.

NM_004972.4(JAK2):c.530A>T (p.Glu177Val)

Genes: INSL6 (insulin like 6; minus strand), JAK2 (Janus kinase 2; plus strand). Cytogenetic location: 9p24.1.
Variant type: single nucleotide variant.
Coding change: c.530A>T on transcript NM_004972.4 (MANE Select); coding-DNA position 530, A replaced by T.
Protein change: p.Glu177Val; replaces glutamic acid 177 with valine.
Molecular consequence: missense variant. On other transcripts: 5 prime UTR variant (2), non-coding transcript variant (2).
Genome position (GRCh38, 1-based): chr9:5,050,747, A>T. VCF-style: chr9-5050747-A-T. GRCh37 (hg19) VCF-style: chr9-5050747-A-T.
Other names: c.530A>T, p.Glu177Val (NM_001322194.2, NM_001322195.2, NM_001322196.2); c.-591A>T (NM_001322198.2, NM_001322199.2); c.83A>T, p.Glu28Val (NM_001322204.2); short protein forms E28V, E177V.
Identifiers: ClinVar variation 4709665 (VCV004709665.1).
Genomic context (GRCh38, chr9:5,050,747, plus strand): 5'-GGCGGCATGATTTTGTGCACGGATGGATAAAAGTACCTGTGACTCATGAAACACAGGAAG[A>T]ATGTCTTGGGATGGCAGTGTTAGATATGATGAGAATAGCCAAAGAAAACGATCAAACCCC-3'
Protein context (NP_004963.1, residues 167-187): KVPVTHETQE[Glu177Val]CLGMAVLDMM